The following is an entry in ClinVar:

NM_024009.3(GJB3):c.172C>A (p.Pro58Thr)

Gene: GJB3 (gap junction protein beta 3; plus strand). Cytogenetic location: 1p34.3.
Variant type: single nucleotide variant.
Coding change: c.172C>A on transcript NM_024009.3 (MANE Select); coding-DNA position 172, C replaced by A.
Protein change: p.Pro58Thr; replaces proline 58 with threonine.
Molecular consequence: missense variant.
Genome position (GRCh38, 1-based): chr1:34,784,934, C>A. VCF-style: chr1-34784934-C-A. GRCh37 (hg19) VCF-style: chr1-35250535-C-A.
Other names: c.172C>A, p.Pro58Thr (NM_001005752.2); short protein forms P58T.
Identifiers: ClinVar variation 4775923 (VCV004775923.1).

ClinVar aggregate classification (germline): Uncertain significance (1 of 4 stars; one submission).

Submission:

Labcorp Genetics (formerly Invitae), Labcorp
Classification: Uncertain significance. Last evaluated: 2025-11-21. Review status: criteria provided, single submitter. Criteria: Invitae Variant Classification Sherloc (09022015). Collection method: clinical testing. Allele origin: germline.
Comment: This sequence change replaces proline, which is neutral and non-polar, with threonine, which is neutral and polar, at codon 58 of the GJB3 protein (p.Pro58Thr). This variant is not present in population databases (gnomAD no frequency). This variant has not been reported in the literature in individuals affected with GJB3-related conditions. Invitae Evidence Modeling of protein sequence and biophysical properties (such as structural, functional, and spatial information, amino acid conservation, physicochemical variation, residue mobility, and thermodynamic stability) indicates that this missense variant is not expected to disrupt GJB3 protein function with a negative predictive value of 80%. In summary, the available evidence is currently insufficient to determine the role of this variant in disease. Therefore, it has been classified as a Variant of Uncertain Significance.